The following is an entry in ClinVar:

ClinVar aggregate classification (germline): Uncertain significance (1 of 4 stars; one submission).

Allele frequency attached by ClinVar (database versions not stated): ExAC 0.00001; TOPMed 0.00002; gnomAD 0.00003; gnomAD exomes 0.00005.
gnomAD v4.1: 76 of 1,607,492 alleles (0.0047%); highest among the groups gnomAD compares: Non-Finnish European, 0.0058%; no homozygotes.

Submission:

Labcorp Genetics (formerly Invitae), Labcorp
Classification: Uncertain significance. Last evaluated: 2025-03-11. Review status: criteria provided, single submitter. Criteria: Invitae Variant Classification Sherloc (09022015). Collection method: clinical testing. Allele origin: germline.
Comment: This sequence change creates a premature translational stop signal (p.Arg559*) in the DDX58 gene. It is expected to result in an absent or disrupted protein product. However, the current clinical and genetic evidence is not sufficient to establish whether loss-of-function variants in DDX58 cause disease. This variant is present in population databases (rs773422076, gnomAD 0.007%). This variant has not been reported in the literature in individuals affected with DDX58-related conditions. ClinVar contains an entry for this variant (Variation ID: 1930225). Experimental studies and prediction algorithms are not available or were not evaluated, and the functional significance of this variant is currently unknown. In summary, the available evidence is currently insufficient to determine the role of this variant in disease. Therefore, it has been classified as a Variant of Uncertain Significance.

NM_014314.4(RIGI):c.1675C>T (p.Arg559Ter)

Gene: RIGI (RNA sensor RIG-I; minus strand). Cytogenetic location: 9p21.1.
Variant type: single nucleotide variant.
Coding change: c.1675C>T on transcript NM_014314.4 (MANE Select); coding-DNA position 1675, C replaced by T.
Protein change: p.Arg559Ter; replaces arginine 559 with a stop codon.
Molecular consequence: nonsense.
Genome position (GRCh38, 1-based): chr9:32,480,318, G>A on the plus strand (C>T on the coding strand, the complement: RIGI is on the minus strand). VCF-style: chr9-32480318-G-A. GRCh37 (hg19) VCF-style: chr9-32480316-G-A.
Other names: c.1669C>T, p.Arg557Ter (NM_001385907.1); c.1675C>T, p.Arg559Ter (NM_001385909.1); c.1234C>T, p.Arg412Ter (NM_001385910.1); c.1066C>T, p.Arg356Ter (NM_001385912.1); c.1660C>T, p.Arg554Ter (NM_001385913.1); c.1231C>T, p.Arg411Ter (NM_001385914.1); short protein forms R356*, R411*, R412*, R554*, R557*, R559*.
Identifiers: ClinVar variation 1930225 (VCV001930225.5), dbSNP rs773422076, ClinGen allele CA5019716.